The following is an entry in ClinVar:

ClinVar aggregate classification (germline): Uncertain significance (1 of 4 stars; one submission).

Allele frequency attached by ClinVar (database versions not stated): ExAC 0.00001; gnomAD 0.00001; gnomAD exomes 0.00001.
gnomAD v4.1: 14 of 1,611,070 alleles (0.00087%); highest among the groups gnomAD compares: Middle Eastern, 0.016%; no homozygotes.

Submission:

Labcorp Genetics (formerly Invitae), Labcorp
Classification: Uncertain significance. Last evaluated: 2022-07-23. Review status: criteria provided, single submitter. Criteria: Invitae Variant Classification Sherloc (09022015). Collection method: clinical testing. Allele origin: germline.
Comment: In summary, the available evidence is currently insufficient to determine the role of this variant in disease. Therefore, it has been classified as a Variant of Uncertain Significance. Algorithms developed to predict the effect of missense changes on protein structure and function are either unavailable or do not agree on the potential impact of this missense change (SIFT: "Tolerated"; PolyPhen-2: "Possibly Damaging"; Align-GVGD: "Class C0"). This variant has not been reported in the literature in individuals affected with LAMC3-related conditions. This variant is present in population databases (rs745510048, gnomAD 0.01%). This sequence change replaces threonine, which is neutral and polar, with isoleucine, which is neutral and non-polar, at codon 400 of the LAMC3 protein (p.Thr400Ile).

NM_006059.4(LAMC3):c.1199C>T (p.Thr400Ile)

Gene: LAMC3 (laminin subunit gamma 3; plus strand). Cytogenetic location: 9q34.12.
Variant type: single nucleotide variant.
Coding change: c.1199C>T on transcript NM_006059.4 (MANE Select); coding-DNA position 1199, C replaced by T.
Protein change: p.Thr400Ile; replaces threonine 400 with isoleucine.
Molecular consequence: missense variant.
Genome position (GRCh38, 1-based): chr9:131,039,164, C>T. VCF-style: chr9-131039164-C-T. GRCh37 (hg19) VCF-style: chr9-133914551-C-T.
Other names: short protein forms T400I.
Identifiers: ClinVar variation 1986605 (VCV001986605.2), dbSNP rs745510048, ClinGen allele CA5286988.